The following is an entry in ClinVar:

ClinVar aggregate classification (germline): Uncertain significance (1 of 4 stars; one submission).

Submission:

Labcorp Genetics (formerly Invitae), Labcorp
Classification: Uncertain significance. Last evaluated: 2024-05-28. Review status: criteria provided, single submitter. Criteria: Invitae Variant Classification Sherloc (09022015). Collection method: clinical testing. Allele origin: germline.
Comment: This sequence change replaces isoleucine, which is neutral and non-polar, with threonine, which is neutral and polar, at codon 1861 of the LRP2 protein (p.Ile1861Thr). This variant is not present in population databases (gnomAD no frequency). This variant has not been reported in the literature in individuals affected with LRP2-related conditions. Advanced modeling of protein sequence and biophysical properties (such as structural, functional, and spatial information, amino acid conservation, physicochemical variation, residue mobility, and thermodynamic stability) performed at Invitae indicates that this missense variant is expected to disrupt LRP2 protein function with a positive predictive value of 95%. In summary, the available evidence is currently insufficient to determine the role of this variant in disease. Therefore, it has been classified as a Variant of Uncertain Significance.

NM_004525.3(LRP2):c.5582T>C (p.Ile1861Thr)

Gene: LRP2 (LDL receptor related protein 2; minus strand). Cytogenetic location: 2q31.1.
Variant type: single nucleotide variant.
Coding change: c.5582T>C on transcript NM_004525.3 (MANE Select); coding-DNA position 5582, T replaced by C.
Protein change: p.Ile1861Thr; replaces isoleucine 1861 with threonine.
Molecular consequence: missense variant.
Genome position (GRCh38, 1-based): chr2:169,220,520, A>G on the plus strand (T>C on the coding strand, the complement: LRP2 is on the minus strand). VCF-style: chr2-169220520-A-G. GRCh37 (hg19) VCF-style: chr2-170077030-A-G.
Other names: short protein forms I1861T.
Identifiers: ClinVar variation 3716169 (VCV003716169.1).
Genomic context (GRCh38, chr2:169,220,520, plus strand): 5'-GCAGGATCAACAGTTATGCCAATTGGAAAGCCAACTCCAAGAGCTGTCCCATCATTGGCA[A>G]TCAATGTTTTTCTGTATCTGATATCTCCGTGGAGTGTCAAAACCTATAGCATAAAATCAC-3'
Protein context (NP_004516.2, residues 1851-1871): HGDIRYRKTL[Ile1861Thr]ANDGTALGVG